The following is an entry in ClinVar:

ClinVar aggregate classification (germline): Uncertain significance. Review status: criteria provided, multiple submitters, no conflicts (2 of 4 stars). 2 submissions from 2 submitters: Uncertain significance (2). Last evaluated 2025-07-28.

Conditions:
Acute myeloid leukemia (AML). Also called: Leukemia, acute myeloid, somatic; Leukemia, acute myelogenous, somatic; Acute myeloid leukemia, adult; AML adult; Acute non-lymphocytic leukemia; Acute granulocytic leukemia. Identifiers: Orphanet 519, MedGen C0023467, MeSH D015470, MONDO:0018874, OMIM 601626, HP:0004808. Disease mechanism: Constitutively activated FLT3.
Inborn genetic diseases. Identifiers: MedGen C0950123, MeSH D030342.

Allele frequency attached by ClinVar (database versions not stated): gnomAD exomes below 0.00001; TOPMed below 0.00001.

Submissions (2):

Ambry Genetics
Classification: Uncertain significance for Inborn genetic diseases. Last evaluated: 2025-07-28. Review status: criteria provided, single submitter. Criteria: Ambry Variant Classification Scheme 2023. Collection method: clinical testing. Allele origin: germline.
Comment: The p.A303T variant (also known as c.907G>A), located in coding exon 1 of the CEBPA gene, results from a G to A substitution at nucleotide position 907. The alanine at codon 303 is replaced by threonine, an amino acid with similar properties. This amino acid position is conserved. In addition, this alteration is predicted to be tolerated by in silico analysis. Based on the available evidence, the clinical significance of this variant remains unclear.

Labcorp Genetics (formerly Invitae), Labcorp
Classification: Uncertain significance for Acute myeloid leukemia. Last evaluated: 2021-08-26. Review status: criteria provided, single submitter. Criteria: Invitae Variant Classification Sherloc (09022015). Collection method: clinical testing. Allele origin: germline.
Comment: In summary, the available evidence is currently insufficient to determine the role of this variant in disease. Therefore, it has been classified as a Variant of Uncertain Significance. Algorithms developed to predict the effect of missense changes on protein structure and function are either unavailable or do not agree on the potential impact of this missense change (SIFT: "Deleterious"; PolyPhen-2: "Probably Damaging"; Align-GVGD: "Class C0"). This variant has not been reported in the literature in individuals with CEBPA-related conditions. This variant is not present in population databases (ExAC no frequency). This sequence change replaces alanine with threonine at codon 303 of the CEBPA protein (p.Ala303Thr). The alanine residue is highly conserved and there is a small physicochemical difference between alanine and threonine.

NM_004364.5(CEBPA):c.907G>A (p.Ala303Thr)

Gene: CEBPA (CCAAT enhancer binding protein alpha; minus strand). Cytogenetic location: 19q13.11.
Variant type: single nucleotide variant.
Coding change: c.907G>A on transcript NM_004364.5 (MANE Select); coding-DNA position 907, G replaced by A.
Protein change: p.Ala303Thr; replaces alanine 303 with threonine.
Molecular consequence: missense variant.
Genome position (GRCh38, 1-based): chr19:33,301,508, C>T on the plus strand (G>A on the coding strand, the complement: CEBPA is on the minus strand). VCF-style: chr19-33301508-C-T. GRCh37 (hg19) VCF-style: chr19-33792414-C-T.
Other names: c.907G>A (NM_004364.3); c.550G>A, p.Ala184Thr (NM_001285829.2); c.1012G>A, p.Ala338Thr (NM_001287424.2); c.865G>A, p.Ala289Thr (NM_001287435.2); short protein forms A184T, A303T, A338T, A289T.
Identifiers: ClinVar variation 1388497 (VCV001388497.9), dbSNP rs867994533, ClinGen allele CA307844151.